The following is an entry in ClinVar:

ClinVar aggregate classification (germline): Uncertain significance. Review status: criteria provided, single submitter (1 of 4 stars). 2 submissions from 2 submitters: Uncertain significance (1). 1 of the submissions does not count toward it. Last evaluated 2025-09-01.

Conditions:
TGM5-related disorder. Also called: TGM5-related condition.

Submissions (2):

CeGaT Center for Human Genetics Tuebingen
Classification: Uncertain significance. Last evaluated: 2025-09-01. Review status: criteria provided, single submitter. Criteria: CeGaT Center For Human Genetics Tuebingen Variant Classification Criteria Version 2. Collection method: clinical testing. Allele origin: germline. Affected: yes. Observed: 1 variant allele.
Comment: TGM5: PM2, PVS1:Moderate

PreventionGenetics, part of Exact Sciences
Classification: Uncertain significance for TGM5-related condition. Last evaluated: 2024-03-29. Review status: no assertion criteria provided. Collection method: clinical testing. Allele origin: germline. Not counted in ClinVar's aggregate classification.
Comment: The TGM5 c.1981_1982insCT variant is predicted to result in a frameshift and premature protein termination (p.Gly661Alafs*41). To our knowledge, this variant has not been reported in the literature. This variant is reported in 0.0018% of alleles in individuals of European (Non-Finnish) descent in gnomAD. This variant resides in the penultimate exon and the gene product may escape nonsense mediated decay. No other loss-of-function variants have been reported in association with disease downstream of this variant (Human Gene Mutation Database). Although we suspect that this variant may be pathogenic, at this time the clinical significance is uncertain due to the absence of conclusive functional and genetic evidence.

NM_201631.4(TGM5):c.1981_1982insCT (p.Gly661fs)

Gene: TGM5 (transglutaminase 5; minus strand). Cytogenetic location: 15q15.2.
Variant type: Insertion.
Coding change: c.1981_1982insCT on transcript NM_201631.4 (MANE Select); coding-DNA positions 1981 to 1982, CT inserted.
Protein change: p.Gly661fs; shifts the reading frame from glycine 661.
Molecular consequence: frameshift variant.
Genome position: GRCh38 VCF-style: chr15-43233581-C-CAG. GRCh37 (hg19) VCF-style: chr15-43525779-C-CAG.
Other names: c.1735_1736insCT, p.Gly579fs (NM_004245.4); short protein forms G579fs, G661fs.
Identifiers: ClinVar variation 3348813 (VCV003348813.8).
Genomic context (GRCh38, chr15:43,233,581, plus strand): 5'-AACAGGAGAAGGCTGAGCACTTGCAGCACTTACAAGACTTTCTGCTGTTTCTTGAAGAGG[C>CAG]CACTTCCTTCCACAGTCAGCACACAGTCCTCAACCTGCTCCGAGAGGGGGTTTGAAAATA-3'